The following is an entry in ClinVar:

ClinVar aggregate classification (germline): Uncertain significance (1 of 4 stars; one submission).

gnomAD v4.1: 11 of 1,613,924 alleles (0.00068%); highest among the groups gnomAD compares: Non-Finnish European, 0.00093%; no homozygotes.

Submission:

GeneDx
Classification: Uncertain significance. Last evaluated: 2026-03-06. Review status: criteria provided, single submitter. Criteria: GeneDx Variant Classification Process June 2021. Collection method: clinical testing. Allele origin: germline.
Comment: Not observed at significant frequency in large population cohorts (gnomAD); Nonsense variant predicted to result in protein truncation as the last 20 amino acid(s) are lost; Has not been previously published as pathogenic or benign to our knowledge

NM_006734.4(HIVEP2):c.7279G>T (p.Glu2427Ter)

Gene: HIVEP2 (HIVEP zinc finger 2; minus strand). Cytogenetic location: 6q24.2.
Variant type: single nucleotide variant.
Coding change: c.7279G>T on transcript NM_006734.4 (MANE Select); coding-DNA position 7279, G replaced by T.
Protein change: p.Glu2427Ter; replaces glutamic acid 2427 with a stop codon.
Molecular consequence: nonsense.
Genome position (GRCh38, 1-based): chr6:142,753,169, C>A on the plus strand (G>T on the coding strand, the complement: HIVEP2 is on the minus strand). VCF-style: chr6-142753169-C-A. GRCh37 (hg19) VCF-style: chr6-143074306-C-A.
Other names: c.7279G>T, p.Glu2427Ter (NM_001438449.1, NM_001438450.1, NM_001438451.1); short protein forms E2427*.
Identifiers: ClinVar variation 5008754 (VCV005008754.1).